The following is an entry in ClinVar:

ClinVar aggregate classification (germline): Pathogenic (1 of 4 stars; one submission).

Conditions:
Agenesis of the corpus callosum with peripheral neuropathy (ACCPN). Also called: CHARLEVOIX DISEASE; POLYNEUROPATHY, SENSORIMOTOR, WITH OR WITHOUT AGENESIS OF THE CORPUS CALLOSUM; HMSN/ACC; Hereditary Motor and Sensory Neuropathy with Agenesis of the Corpus Callosum. Identifiers: Orphanet 1496, MedGen C0795950, MONDO:0000902, OMIM 218000. Disease mechanism: loss of function.

Submission:

Myriad Genetics, Inc.
Classification: Pathogenic for Agenesis of the corpus callosum with peripheral neuropathy. Last evaluated: 2023-11-22. Review status: criteria provided, single submitter. Criteria: Myriad Autosomal Dominant, Autosomal Recessive and X-Linked Classification Criteria (2023). Collection method: clinical testing. Allele origin: unknown.
Comment: NM_133647.1(SLC12A6):c.2227_2231dup5(L745Ffs*21) is expected to be pathogenic in the context of Andermann syndrome. This variant is predicted to lead to an abnormal or absent protein product due to the creation of a premature termination codon in SLC12A6, a gene where loss-of-function variants are known to be pathogenic. Please note: this variant was assessed in the context of healthy population screening.

NM_001365088.1(SLC12A6):c.2227_2231dup (p.Leu745fs)

Gene: SLC12A6 (solute carrier family 12 member 6; minus strand). Cytogenetic location: 15q14.
Variant type: Duplication.
Coding change: c.2227_2231dup on transcript NM_001365088.1 (MANE Select); coding-DNA positions 2227 to 2231, 5 bases duplicated (CTTCG; older notation c.2227_2231dupCTTCG).
Protein change: p.Leu745fs; shifts the reading frame from leucine 745.
Molecular consequence: frameshift variant.
Genome position (GRCh38, 1-based): chr15:34,241,269-34,241,273, CGAAG duplicated on the plus strand (CTTCG on the coding strand, the reverse complement: SLC12A6 is on the minus strand); duplicating any 5 consecutive bases within chr15:34,241,269-34,241,274 gives the same sequence; the c. name uses the placement nearest the transcript's 3' end. VCF-style (leftmost placement, unchanged base first): chr15-34241268-T-TCGAAG. GRCh37 (hg19) VCF-style: chr15-34533469-T-TCGAAG.
Other names: c.2050_2054dup, p.Leu686fs (NM_001042494.2, NM_001042495.2); c.2200_2204dup, p.Leu736fs (NM_001042496.2); c.2182_2186dup, p.Leu730fs (NM_001042497.2); c.2074_2078dup, p.Leu694fs (NM_005135.2); c.2227_2231dup, p.Leu745fs (NM_133647.2); short protein forms L686fs, L694fs, L730fs, L736fs, L745fs.
Identifiers: ClinVar variation 5012511 (VCV005012511.1).